The following is an entry in ClinVar:

NM_024675.4(PALB2):c.885_886del (p.Lys295fs)

Gene: PALB2 (partner and localizer of BRCA2; minus strand). Cytogenetic location: 16p12.2.
Variant type: Deletion.
Coding change: c.885_886del on transcript NM_024675.4 (MANE Select); coding-DNA positions 885 to 886, 2 bases deleted (AA; older notation c.885_886delAA).
Protein change: p.Lys295fs; shifts the reading frame from lysine 295.
Molecular consequence: frameshift variant.
Genome position (GRCh38, 1-based): chr16:23,635,660-23,635,661, TT deleted on the plus strand (AA on the coding strand, the reverse complement: PALB2 is on the minus strand); deleting any 2 consecutive bases within chr16:23,635,660-23,635,666 gives the same sequence; the c. name uses the placement nearest the transcript's 3' end. VCF-style (leftmost placement, unchanged base first): chr16-23635659-ATT-A. GRCh37 (hg19) VCF-style: chr16-23646980-ATT-A.
Other names: c.820_821delAA, p.Lys275Asnfs (NM_001407296.1); c.880_881delAA, p.Lys295Asnfs (NM_001407297.1, NM_001407298.1, NM_001407299.1 and 3 more transcripts); c.-6_-5delAA (NM_001407304.1, NM_001407305.1, NM_001407306.1 and 5 more transcripts); short protein forms K295fs.
Identifiers: ClinVar variation 2030152 (VCV002030152.4), dbSNP rs587776408, ClinGen allele CA2580091334.

ClinVar aggregate classification (germline): Pathogenic (1 of 4 stars; one submission).

Conditions:
Familial cancer of breast. Also called: hereditary breast carcinoma; BREAST CANCER, FAMILIAL; Hereditary breast cancer. Identifiers: Orphanet 227535, MedGen C0346153, MONDO:0016419, OMIM 114480. Disease mechanism: loss of function.

Submission:

Labcorp Genetics (formerly Invitae), Labcorp
Classification: Pathogenic for Familial cancer of breast. Last evaluated: 2022-09-13. Review status: criteria provided, single submitter. Criteria: Invitae Variant Classification Sherloc (09022015). Collection method: clinical testing. Allele origin: germline.
Comment: For these reasons, this variant has been classified as Pathogenic. This variant has not been reported in the literature in individuals affected with PALB2-related conditions. This variant is not present in population databases (gnomAD no frequency). This sequence change creates a premature translational stop signal (p.Lys295Asnfs*7) in the PALB2 gene. It is expected to result in an absent or disrupted protein product. Loss-of-function variants in PALB2 are known to be pathogenic (PMID: 17200668, 17200671, 17200672, 24136930, 25099575).

Literature cited by the submitters: PubMed 17200668; PubMed 17200671; PubMed 17200672; PubMed 24136930; PubMed 25099575.